The following is an entry in ClinVar:

NM_001378454.1(ALMS1):c.10427T>C (p.Val3476Ala)

Gene: ALMS1 (ALMS1 centrosome and basal body associated protein; plus strand). Cytogenetic location: 2p13.1.
Variant type: single nucleotide variant.
Coding change: c.10427T>C on transcript NM_001378454.1 (MANE Select); coding-DNA position 10427, T replaced by C.
Protein change: p.Val3476Ala; replaces valine 3476 with alanine.
Molecular consequence: missense variant.
Genome position (GRCh38, 1-based): chr2:73,572,304, T>C. VCF-style: chr2-73572304-T-C. GRCh37 (hg19) VCF-style: chr2-73799431-T-C.
Other names: c.10430T>C, p.Val3477Ala (NM_015120.4); short protein forms V3477A, V3476A.
Identifiers: ClinVar variation 550429 (VCV000550429.15), dbSNP rs750128969, ClinGen allele CA50386125.
Genomic context (GRCh38, chr2:73,572,304, plus strand): 5'-TTTTTTTCTCCTTTTCAGAGTCCGAATGTCATTCAGAATTTGAAAATACTACCCGTTCTG[T>C]CTTCAGGTCAGCAAAGTTTTACATTCATCATCCCGTACACCTACCAAGTGATCAAGATAT-3'
Protein context (NP_001365383.1, residues 3466-3486): HSEFENTTRS[Val3476Ala]FRSAKFYIHH

ClinVar aggregate classification (germline): Uncertain significance. Review status: criteria provided, multiple submitters, no conflicts (2 of 4 stars). 5 submissions from 5 submitters: Uncertain significance (3). 2 of the submissions do not count toward it. Last evaluated 2026-08-25.

Conditions:
Alstrom syndrome (ALMS). Identifiers: Orphanet 64, MedGen C0268425, MONDO:0008763, OMIM 203800.
Cardiovascular phenotype. Identifiers: MedGen CN230736.

Allele frequency attached by ClinVar (database versions not stated): TOPMed 0.00008; gnomAD 0.00002.
gnomAD v4.1: 6 of 1,607,336 alleles (0.00037%); highest among the groups gnomAD compares: African/African-American, 0.0054%; no homozygotes.

Submissions (5):

GeneDx
Classification: Uncertain significance. Last evaluated: 2026-08-25. Review status: criteria provided, single submitter. Criteria: GeneDx Variant Classification Process June 2021. Collection method: clinical testing. Allele origin: germline.
Comment: Not observed at significant frequency in large population cohorts (gnomAD); In silico analysis suggests that this missense variant does not alter protein structure/function; Has not been previously published as pathogenic or benign to our knowledge

Ambry Genetics
Classification: Uncertain significance for Cardiovascular phenotype. Last evaluated: 2026-01-08. Review status: criteria provided, single submitter. Criteria: Ambry Variant Classification Scheme 2023. Collection method: clinical testing. Allele origin: germline.
Comment: The p.V3477A variant (also known as c.10430T>C), located in coding exon 16 of the ALMS1 gene, results from a T to C substitution at nucleotide position 10430. The valine at codon 3477 is replaced by alanine, an amino acid with similar properties. This amino acid position is highly conserved in available vertebrate species. In addition, this alteration is predicted to be tolerated by in silico analysis. Based on the available evidence, the clinical significance of this variant remains unclear.

Labcorp Genetics (formerly Invitae), Labcorp
Classification: Uncertain significance for Alstrom syndrome. Last evaluated: 2022-07-19. Review status: criteria provided, single submitter. Criteria: Invitae Variant Classification Sherloc (09022015). Collection method: clinical testing. Allele origin: germline.
Comment: This sequence change replaces valine, which is neutral and non-polar, with alanine, which is neutral and non-polar, at codon 3477 of the ALMS1 protein (p.Val3477Ala). This variant is present in population databases (no rsID available, gnomAD 0.003%). This variant has not been reported in the literature in individuals affected with ALMS1-related conditions. ClinVar contains an entry for this variant (Variation ID: 550429). Experimental studies and prediction algorithms are not available or were not evaluated, and the functional significance of this variant is currently unknown. In summary, the available evidence is currently insufficient to determine the role of this variant in disease. Therefore, it has been classified as a Variant of Uncertain Significance.

Natera, Inc.
Classification: Uncertain significance for Alstrom syndrome. Last evaluated: 2021-04-23. Review status: no assertion criteria provided. Collection method: clinical testing. Allele origin: germline. Not counted in ClinVar's aggregate classification.

Counsyl
Classification: Uncertain significance for Alstrom syndrome. Last evaluated: 2017-01-20. Review status: no assertion criteria provided. Collection method: clinical testing. Allele origin: unknown. Not counted in ClinVar's aggregate classification.